The following is an entry in ClinVar:

NM_002103.5(GYS1):c.362C>T (p.Ala121Val)

Gene: GYS1 (glycogen synthase 1; minus strand). Cytogenetic location: 19q13.33.
Variant type: single nucleotide variant.
Coding change: c.362C>T on transcript NM_002103.5 (MANE Select); coding-DNA position 362, C replaced by T.
Protein change: p.Ala121Val; replaces alanine 121 with valine.
Molecular consequence: missense variant. On other transcripts: non-coding transcript variant (1), intron variant (1).
Genome position (GRCh38, 1-based): chr19:48,987,324, G>A on the plus strand (C>T on the coding strand, the complement: GYS1 is on the minus strand). VCF-style: chr19-48987324-G-A. GRCh37 (hg19) VCF-style: chr19-49490581-G-A.
Other names: c.301-1289C>T (NM_001161587.2); short protein forms A121V.
Identifiers: ClinVar variation 1040534 (VCV001040534.4), dbSNP rs778349716, ClinGen allele CA9563368.

ClinVar aggregate classification (germline): Uncertain significance (1 of 4 stars; one submission).

Conditions:
Glycogen storage disease due to muscle and heart glycogen synthase deficiency. Also called: GSD 0b; MUSCLE GLYCOGEN SYNTHASE DEFICIENCY. Identifiers: Orphanet 137625, MedGen C1969054, MONDO:0012693, OMIM 611556.

Allele frequency attached by ClinVar (database versions not stated): ExAC 0.00001; gnomAD 0.00001; gnomAD exomes 0.00001; TOPMed 0.00002.
gnomAD v4.1: 11 of 1,612,252 alleles (0.00068%); highest among the groups gnomAD compares: Admixed American, 0.0084%; no homozygotes.

Submission:

Labcorp Genetics (formerly Invitae), Labcorp
Classification: Uncertain significance for Glycogen storage disease due to muscle and heart glycogen synthase deficiency. Last evaluated: 2022-07-12. Review status: criteria provided, single submitter. Criteria: Invitae Variant Classification Sherloc (09022015). Collection method: clinical testing. Allele origin: germline.
Comment: This variant has not been reported in the literature in individuals affected with GYS1-related conditions. This variant is present in population databases (rs778349716, gnomAD 0.009%). This sequence change replaces alanine, which is neutral and non-polar, with valine, which is neutral and non-polar, at codon 121 of the GYS1 protein (p.Ala121Val). ClinVar contains an entry for this variant (Variation ID: 1040534). In summary, the available evidence is currently insufficient to determine the role of this variant in disease. Therefore, it has been classified as a Variant of Uncertain Significance. Algorithms developed to predict the effect of missense changes on protein structure and function are either unavailable or do not agree on the potential impact of this missense change (SIFT: "Deleterious"; PolyPhen-2: "Benign"; Align-GVGD: "Class C0").